The following is an entry in ClinVar:

NM_004453.4(ETFDH):c.1339G>T (p.Glu447Ter)

Gene: ETFDH (electron transfer flavoprotein dehydrogenase; plus strand). Cytogenetic location: 4q32.1.
Variant type: single nucleotide variant.
Coding change: c.1339G>T on transcript NM_004453.4 (MANE Select); coding-DNA position 1339, G replaced by T.
Protein change: p.Glu447Ter; replaces glutamic acid 447 with a stop codon.
Molecular consequence: nonsense.
Genome position (GRCh38, 1-based): chr4:158,706,242, G>T. VCF-style: chr4-158706242-G-T. GRCh37 (hg19) VCF-style: chr4-159627394-G-T.
Other names: c.1339G>T (NM_004453.3); c.1198G>T, p.Glu400Ter (NM_001281737.2); c.1156G>T, p.Glu386Ter (NM_001281738.1); short protein forms E386*, E447*, E400*.
Identifiers: ClinVar variation 1379360 (VCV001379360.8), dbSNP rs2126314844, ClinGen allele CA358563849.

ClinVar aggregate classification (germline): Pathogenic/Likely pathogenic. Review status: criteria provided, multiple submitters, no conflicts (2 of 4 stars). 2 submissions from 2 submitters: Pathogenic (1); Likely pathogenic (1). Last evaluated 2025-03-05.

Conditions:
Glutaric acidemia type 2C.
Multiple acyl-CoA dehydrogenase deficiency (MADD). Also called: Glutaric acidemia type II; GA 2; Glutaric Acidemia type 2; Glutaric aciduria, type 2; ETHYLMALONIC-ADIPICACIDURIA; GA II. Identifiers: Orphanet 26791, MedGen C0268596, MONDO:0009282, OMIM 231680.

Submissions (2):

Natera, Inc.
Classification: Likely pathogenic for Glutaric acidemia type 2C. Last evaluated: 2025-03-05. Review status: criteria provided, single submitter. Criteria: Natera Variant Classification Schema (03/2026). Collection method: clinical testing. Allele origin: germline.
Comment: The c.1339G>T variant in ETFDH is a nonsense variant predicted to introduce a stop codon at amino acid 447. This variant is expected to result in nonsense mediated decay, truncation, or a dysfunctional protein product. This variant is rare in the general population with a frequency below the threshold expected for the associated phenotype(s). Given the available evidence, this variant is classified as Likely Pathogenic.

Labcorp Genetics (formerly Invitae), Labcorp
Classification: Pathogenic for Multiple acyl-CoA dehydrogenase deficiency. Last evaluated: 2023-05-27. Review status: criteria provided, single submitter. Criteria: Invitae Variant Classification Sherloc (09022015). Collection method: clinical testing. Allele origin: germline.
Comment: This sequence change creates a premature translational stop signal (p.Glu447*) in the ETFDH gene. It is expected to result in an absent or disrupted protein product. Loss-of-function variants in ETFDH are known to be pathogenic (PMID: 16510302, 23785301). This variant is not present in population databases (gnomAD no frequency). This variant has not been reported in the literature in individuals affected with ETFDH-related conditions. ClinVar contains an entry for this variant (Variation ID: 1379360). For these reasons, this variant has been classified as Pathogenic.

Literature cited by the submitters: PubMed 16510302 (cited by Labcorp Genetics (formerly Invitae), Labcorp); PubMed 23785301 (cited by Labcorp Genetics (formerly Invitae), Labcorp).